The following is an entry in ClinVar:

NM_001024845.3(SLC6A9):c.579G>C (p.Glu193Asp)

Gene: SLC6A9 (solute carrier family 6 member 9; minus strand). Cytogenetic location: 1p34.1.
Variant type: single nucleotide variant.
Coding change: c.579G>C on transcript NM_001024845.3 (MANE Select); coding-DNA position 579, G replaced by C.
Protein change: p.Glu193Asp; replaces glutamic acid 193 with aspartic acid.
Molecular consequence: missense variant. On other transcripts: non-coding transcript variant (1).
Genome position (GRCh38, 1-based): chr1:44,008,364, C>G on the plus strand (G>C on the coding strand, the complement: SLC6A9 is on the minus strand). VCF-style: chr1-44008364-C-G. GRCh37 (hg19) VCF-style: chr1-44474036-C-G.
Other names: c.591G>C, p.Glu197Asp (NM_001261380.2); c.246G>C, p.Glu82Asp (NM_001328626.2, NM_001328630.2); c.516G>C, p.Glu172Asp (NM_001328627.1); c.384G>C, p.Glu128Asp (NM_001328628.1); c.579G>C, p.Glu193Asp (NM_001328629.1); c.636G>C, p.Glu212Asp (NM_006934.4); c.798G>C, p.Glu266Asp (NM_201649.4); short protein forms E212D, E82D, E128D, E193D, E266D, E172D, E197D.
Identifiers: ClinVar variation 2162295 (VCV002162295.4), dbSNP rs369945530, ClinGen allele CA817770.

ClinVar aggregate classification (germline): Uncertain significance (1 of 4 stars; one submission).

Conditions:
Atypical glycine encephalopathy. Also called: Glycine encephalopathy with normal serum glycine. Identifiers: Orphanet 289863, MedGen C4310943, MONDO:0015010, OMIM 617301.

Allele frequency attached by ClinVar (database versions not stated): TOPMed 0.00001; ExAC 0.00002; gnomAD 0.00002; gnomAD exomes 0.00003; ESP Exome Variant Server 0.00008.

Submission:

Labcorp Genetics (formerly Invitae), Labcorp
Classification: Uncertain significance for Atypical glycine encephalopathy. Last evaluated: 2023-01-27. Review status: criteria provided, single submitter. Criteria: Invitae Variant Classification Sherloc (09022015). Collection method: clinical testing. Allele origin: germline.
Comment: This variant has not been reported in the literature in individuals affected with SLC6A9-related conditions. This variant is present in population databases (rs369945530, gnomAD 0.003%). This sequence change replaces glutamic acid, which is acidic and polar, with aspartic acid, which is acidic and polar, at codon 266 of the SLC6A9 protein (p.Glu266Asp). Algorithms developed to predict the effect of missense changes on protein structure and function are either unavailable or do not agree on the potential impact of this missense change (SIFT: "Tolerated"; PolyPhen-2: "Probably Damaging"; Align-GVGD: "Class C0"). In summary, the available evidence is currently insufficient to determine the role of this variant in disease. Therefore, it has been classified as a Variant of Uncertain Significance.